The following is an entry in ClinVar:

NM_004525.3(LRP2):c.9914G>A (p.Arg3305His)

Gene: LRP2 (LDL receptor related protein 2; minus strand). Cytogenetic location: 2q31.1.
Variant type: single nucleotide variant.
Coding change: c.9914G>A on transcript NM_004525.3 (MANE Select); coding-DNA position 9914, G replaced by A.
Protein change: p.Arg3305His; replaces arginine 3305 with histidine.
Molecular consequence: missense variant.
Genome position (GRCh38, 1-based): chr2:169,182,251, C>T on the plus strand (G>A on the coding strand, the complement: LRP2 is on the minus strand). VCF-style: chr2-169182251-C-T. GRCh37 (hg19) VCF-style: chr2-170038761-C-T.
Other names: short protein forms R3305H.
Identifiers: ClinVar variation 771338 (VCV000771338.42), dbSNP rs3213760, ClinGen allele CA1953484.

ClinVar aggregate classification (germline): Benign/Likely benign. Review status: criteria provided, multiple submitters, no conflicts (2 of 4 stars). 7 submissions from 7 submitters: Benign (4); Likely benign (3). Last evaluated 2026-02-01.

Conditions:
Donnai-Barrow syndrome. Also called: FACIOOCULOACOUSTICORENAL SYNDROME; DBS/FOAR SYNDROME. Identifiers: Orphanet 2143, MedGen C1857277, MONDO:0009104, OMIM 222448.

Allele frequency attached by ClinVar (database versions not stated): ESP Exome Variant Server 0.00031; gnomAD exomes 0.00132 and 0.00426; gnomAD 0.00150 and 0.00161; 1000 Genomes Project 0.00319; ExAC 0.00324; TOPMed 0.00326; 1000 Genomes Project 30x 0.00344.
gnomAD v4.1: 2,180 of 1,614,090 alleles (0.14%); highest among the groups gnomAD compares: Admixed American, 2%; 16 homozygotes.

Submissions (7):

CeGaT Center for Human Genetics Tuebingen
Classification: Benign. Last evaluated: 2026-02-01. Review status: criteria provided, single submitter. Criteria: CeGaT Center For Human Genetics Tuebingen Variant Classification Criteria Version 2. Collection method: clinical testing. Allele origin: germline. Affected: yes. Observed: 6 variant alleles.
Comment: LRP2: BS1, BS2

Labcorp Genetics (formerly Invitae), Labcorp
Classification: Benign. Last evaluated: 2026-01-28. Review status: criteria provided, single submitter. Criteria: Invitae Variant Classification Sherloc (09022015). Collection method: clinical testing. Allele origin: germline.

Women's Health and Genetics/Laboratory Corporation of America, LabCorp
Classification: Likely benign. Last evaluated: 2021-12-10. Review status: criteria provided, single submitter. Criteria: LabCorp Variant Classification Summary - May 2015. Collection method: clinical testing. Allele origin: germline.

Fulgent Genetics
Classification: Likely benign for Donnai-Barrow syndrome. Last evaluated: 2021-07-19. Review status: criteria provided, single submitter. Criteria: ACMG Guidelines, 2015. Collection method: clinical testing. Allele origin: unknown.

Genome-Nilou Lab
Classification: Benign for Donnai-Barrow syndrome. Last evaluated: 2021-07-15. Review status: criteria provided, single submitter. Criteria: ACMG Guidelines, 2015. Collection method: clinical testing. Allele origin: germline. Affected: no.

Illumina Laboratory Services, Illumina
Classification: Benign for Donnai-Barrow syndrome. Last evaluated: 2017-04-27. Review status: criteria provided, single submitter. Criteria: ICSL Variant Classification Criteria 13 December 2019. Collection method: clinical testing. Allele origin: germline.
Comment: This variant was observed as part of a predisposition screen in an ostensibly healthy population. A literature search was performed for the gene, cDNA change, and amino acid change (where applicable). No publications were found based on this search. Allele frequency data from public databases was too high to be consistent with this variant causing disease. Therefore, this variant is classified as benign.

Breakthrough Genomics
Classification: Likely benign. Review status: criteria provided, single submitter. Criteria: ACMG Guidelines, 2015. Collection method: not provided. Allele origin: germline. Inheritance: Autosomal recessive inheritance. Affected: yes.